The following is an entry in ClinVar:

NM_001145026.2(PTPRQ):c.6299T>G (p.Met2100Arg)

Gene: PTPRQ (protein tyrosine phosphatase receptor type Q; plus strand). Cytogenetic location: 12q21.31.
Variant type: single nucleotide variant.
Coding change: c.6299T>G on transcript NM_001145026.2 (MANE Select); coding-DNA position 6299, T replaced by G.
Protein change: p.Met2100Arg; replaces methionine 2100 with arginine.
Molecular consequence: missense variant.
Genome position (GRCh38, 1-based): chr12:80,669,113, T>G. VCF-style: chr12-80669113-T-G. GRCh37 (hg19) VCF-style: chr12-81062892-T-G.
Other names: short protein forms M2100R.
Identifiers: ClinVar variation 1679944 (VCV001679944.2), dbSNP rs1330487603, ClinGen allele CA385935916.

ClinVar aggregate classification (germline): Uncertain significance (1 of 4 stars; one submission).

Conditions:
Hearing loss, autosomal dominant 73. Also called: DEAFNESS, AUTOSOMAL DOMINANT 73. Identifiers: MedGen C4540024, MONDO:0033260, OMIM 617663.

Allele frequency attached by ClinVar (database versions not stated): gnomAD exomes 0.00001.
gnomAD v4.1: 1 of 1,548,942 alleles (0.000065%); highest among the groups gnomAD compares: Non-Finnish European, 0.000087%; no homozygotes.

Submission:

Institute of Human Genetics, University of Goettingen
Classification: Uncertain significance for Hearing loss, autosomal dominant 73. Last evaluated: 2022-05-11. Review status: criteria provided, single submitter. Criteria: ACMG Guidelines, 2015. Collection method: clinical testing. Allele origin: unknown. Inheritance: Autosomal dominant inheritance. Observed: 1 heterozygote.
Comment: The variant c.6299T>G (p.(Met2100Arg)) in exon 40 of the PTPRQ-gene is found at a population frequency of 0.00064% in the gnomAD database, it affects a highly conserved nucleotide, a highly conserved amino acid and there is a large physicochemical difference between Met and Arg. This variant has a pathogenic computational verdict based on 8 pathogenic predictions from BayesDel_addAF, DANN, EIGEN, FATHMM-MKL, LIST-S2, M-CAP, MutationTaster and PrimateAI vs 2 benign predictions from DEOGEN2 and MVP. ACMG criteria used for classification: PM2, PP3.